The following is an entry in ClinVar:

ClinVar aggregate classification (germline): Likely benign (1 of 4 stars; one submission).

Allele frequency attached by ClinVar (database versions not stated): gnomAD exomes 0.00001; ExAC 0.00001.
gnomAD v4.1: 2 of 1,601,416 alleles (0.00012%); highest among the groups gnomAD compares: Non-Finnish European, 0.00017%; no homozygotes.

Submission:

GeneDx
Classification: Likely benign. Last evaluated: 2016-07-27. Review status: criteria provided, single submitter. Criteria: GeneDx Variant Classification (06012015). Collection method: clinical testing. Allele origin: germline. Affected: yes.
Comment: This variant is considered likely benign or benign based on one or more of the following criteria: it is a conservative change, it occurs at a poorly conserved position in the protein, it is predicted to be benign by multiple in silico algorithms, and/or has population frequency not consistent with disease.

NM_001271.4(CHD2):c.63-19C>T

Gene: CHD2 (chromodomain helicase DNA binding protein 2; plus strand). Cytogenetic location: 15q26.1.
Variant type: single nucleotide variant.
Coding change: c.63-19C>T on transcript NM_001271.4 (MANE Select); 19 bases into the intron before coding-DNA position 63, C replaced by T.
Molecular consequence: intron variant.
Genome position (GRCh38, 1-based): chr15:92,924,302, C>T. VCF-style: chr15-92924302-C-T. GRCh37 (hg19) VCF-style: chr15-93467532-C-T.
Other names: c.63-19C>T (NM_001042572.3).
Identifiers: ClinVar variation 388063 (VCV000388063.1), dbSNP rs753257921, ClinGen allele CA7747437.